The following is an entry in ClinVar:

ClinVar aggregate classification (germline): Uncertain significance (1 of 4 stars; one submission).

Allele frequency attached by ClinVar (database versions not stated): TOPMed below 0.00001; gnomAD 0.00001.
gnomAD v4.1: 1 of 1,613,978 alleles (0.000062%); highest among the groups gnomAD compares: African/African-American, 0.0013%; no homozygotes.

Submission:

GeneDx
Classification: Uncertain significance. Last evaluated: 2022-07-25. Review status: criteria provided, single submitter. Criteria: GeneDx Variant Classification Process June 2021. Collection method: clinical testing. Allele origin: germline. Affected: yes.
Comment: Not observed at significant frequency in large population cohorts (gnomAD); In silico analysis supports that this missense variant does not alter protein structure/function; Has not been previously published as pathogenic or benign to our knowledge

NM_014991.6(WDFY3):c.2322A>C (p.Lys774Asn)

Genes: WDFY3 (WD repeat and FYVE domain containing 3; minus strand), WDFY3-AS1 (WDFY3 antisense RNA 1; plus strand). Cytogenetic location: 4q21.23.
Variant type: single nucleotide variant.
Coding change: c.2322A>C on transcript NM_014991.6 (MANE Select); coding-DNA position 2322, A replaced by C.
Protein change: p.Lys774Asn; replaces lysine 774 with asparagine.
Molecular consequence: missense variant.
Genome position (GRCh38, 1-based): chr4:84,809,910, T>G on the plus strand (A>C on the coding strand, the complement: WDFY3 is on the minus strand). VCF-style: chr4-84809910-T-G. GRCh37 (hg19) VCF-style: chr4-85731063-T-G.
Other names: short protein forms K774N.
Identifiers: ClinVar variation 2412988 (VCV002412988.3), dbSNP rs1160315710, ClinGen allele CA357567366.